The following is an entry in ClinVar:

NM_001190737.2(NFIB):c.1363C>A (p.Pro455Thr)

Gene: NFIB (nuclear factor I B; minus strand). Cytogenetic location: 9p23.
Variant type: single nucleotide variant.
Coding change: c.1363C>A on transcript NM_001190737.2 (MANE Select); coding-DNA position 1363, C replaced by A.
Protein change: p.Pro455Thr; replaces proline 455 with threonine.
Molecular consequence: missense variant. On other transcripts: intron variant (18).
Genome position (GRCh38, 1-based): chr9:14,116,229, G>T on the plus strand (C>A on the coding strand, the complement: NFIB is on the minus strand). VCF-style: chr9-14116229-G-T. GRCh37 (hg19) VCF-style: chr9-14116228-G-T.
Other names: c.607C>A, p.Pro203Thr (NM_001282787.2); c.1429C>A, p.Pro477Thr (NM_001369458.1, NM_001369459.1); c.1351C>A, p.Pro451Thr (NM_001369460.1, NM_001369463.1); c.1363C>A, p.Pro455Thr (NM_001369461.1, NM_001429577.1); c.1336C>A, p.Pro446Thr (NM_001369465.1); c.1126C>A, p.Pro376Thr (NM_001369470.1); c.1245+4211C>A (NM_005596.3, NM_001369464.1); c.1311+4211C>A (NM_001369468.1, NM_001369462.1); and 11 more; short protein forms P203T, P477T, P376T, P446T, P451T, P455T.
Identifiers: ClinVar variation 5008127 (VCV005008127.1).

ClinVar aggregate classification (germline): Uncertain significance (1 of 4 stars; one submission).

Submission:

GeneDx
Classification: Uncertain significance. Last evaluated: 2026-03-12. Review status: criteria provided, single submitter. Criteria: GeneDx Variant Classification Process June 2021. Collection method: clinical testing. Allele origin: germline.
Comment: Not observed at significant frequency in large population cohorts (gnomAD); In silico analysis suggests that this missense variant does not alter protein structure/function; Has not been previously published as pathogenic or benign to our knowledge